The following is an entry in ClinVar:

NM_001354712.2(THRB):c.*3143T>C

Gene: THRB (thyroid hormone receptor beta; minus strand). Cytogenetic location: 3p24.2.
Variant type: single nucleotide variant.
Coding change: c.*3143T>C on transcript NM_001354712.2 (MANE Select); 3143 bases downstream of the stop codon, T replaced by C.
Molecular consequence: 3 prime UTR variant.
Genome position (GRCh38, 1-based): chr3:24,119,741, A>G on the plus strand (T>C on the coding strand, the complement: THRB is on the minus strand). VCF-style: chr3-24119741-A-G. GRCh37 (hg19) VCF-style: chr3-24161232-A-G.
Other names: c.*3143T>C (NM_000461.5, NM_001128176.3, NM_001128177.2 and 8 more transcripts).
Identifiers: ClinVar variation 344580 (VCV000344580.5), dbSNP rs192001851, ClinGen allele CA10618337.

ClinVar aggregate classification (germline): Benign (1 of 4 stars; one submission).

Conditions:
Thyroid hormone resistance, generalized, autosomal dominant (GRTHD). Also called: HYPERTHYROXINEMIA, FAMILIAL EUTHYROID, SECONDARY TO PITUITARY AND PERIPHERAL RESISTANCE TO THYROID HORMONES. Identifiers: MedGen C2937288, MONDO:0008569, OMIM 188570.

Allele frequency attached by ClinVar (database versions not stated): 1000 Genomes Project 0.00060; 1000 Genomes Project 30x 0.00062; gnomAD 0.00062; TOPMed 0.00076.

Submission:

Illumina Laboratory Services, Illumina
Classification: Benign for Thyroid hormone resistance, generalized, autosomal dominant. Last evaluated: 2018-01-13. Review status: criteria provided, single submitter. Criteria: ICSL Variant Classification Criteria 13 December 2019. Collection method: clinical testing. Allele origin: germline.
Comment: This variant was observed in the ICSL laboratory as part of a predisposition screen in an ostensibly healthy population. It had not been previously curated by ICSL or reported in the Human Gene Mutation Database (HGMD: prior to June 1st, 2018), and was therefore a candidate for classification through an automated scoring system. Utilizing variant allele frequency, disease prevalence and penetrance estimates, and inheritance mode, an automated score was calculated to assess if this variant is too frequent to cause the disease. Based on the score and internal cut-off values, a variant classified as benign is not then subjected to further curation. The score for this variant resulted in a classification of benign for this disease.